The following is an entry in ClinVar:

NM_007118.4(TRIO):c.4902G>T (p.Gln1634His)

Genes: TRIO (trio Rho guanine nucleotide exchange factor; plus strand), LOC126807322 (P300/CBP strongly-dependent group 1 enhancer GRCh37_chr5:14406263-14407462; plus strand). Cytogenetic location: 5p15.2.
Variant type: single nucleotide variant.
Coding change: c.4902G>T on transcript NM_007118.4 (MANE Select); coding-DNA position 4902, G replaced by T.
Protein change: p.Gln1634His; replaces glutamine 1634 with histidine.
Molecular consequence: missense variant. On other transcripts: non-coding transcript variant (1).
Genome position (GRCh38, 1-based): chr5:14,406,615, G>T. VCF-style: chr5-14406615-G-T. GRCh37 (hg19) VCF-style: chr5-14406724-G-T.
Other names: short protein forms Q1634H.
Identifiers: ClinVar variation 3252267 (VCV003252267.1), dbSNP rs2533052035.

ClinVar aggregate classification (germline): Uncertain significance (1 of 4 stars; one submission).

Submission:

GeneDx
Classification: Uncertain significance. Last evaluated: 2023-12-06. Review status: criteria provided, single submitter. Criteria: GeneDx Variant Classification Process June 2021. Collection method: clinical testing. Allele origin: germline. Affected: yes.
Comment: Not observed at significant frequency in large population cohorts (gnomAD); In silico analysis supports that this missense variant does not alter protein structure/function; Has not been previously published as pathogenic or benign to our knowledge